The following is an entry in ClinVar:

ClinVar aggregate classification (germline): Uncertain significance (1 of 4 stars; one submission).

Conditions:
Hereditary cancer-predisposing syndrome. Also called: Neoplastic Syndromes, Hereditary; Tumor predisposition; Hereditary Cancer Syndrome; Hereditary neoplastic syndrome. Identifiers: Orphanet 140162, MedGen C0027672, MeSH D009386, MONDO:0015356.

Submission:

Ambry Genetics
Classification: Uncertain significance for Hereditary cancer-predisposing syndrome. Last evaluated: 2022-08-22. Review status: criteria provided, single submitter. Criteria: Ambry Variant Classification Scheme 2023. Collection method: clinical testing. Allele origin: germline.
Comment: The p.L645V variant (also known as c.1933C>G), located in coding exon 12 of the RAD50 gene, results from a C to G substitution at nucleotide position 1933. The leucine at codon 645 is replaced by valine, an amino acid with highly similar properties. This amino acid position is conserved. In addition, the in silico prediction for this alteration is inconclusive. Since supporting evidence is limited at this time, the clinical significance of this alteration remains unclear.

NM_005732.4(RAD50):c.1933C>G (p.Leu645Val)

Gene: RAD50 (RAD50 double strand break repair protein; plus strand). Cytogenetic location: 5q31.1.
Variant type: single nucleotide variant.
Coding change: c.1933C>G on transcript NM_005732.4 (MANE Select); coding-DNA position 1933, C replaced by G.
Protein change: p.Leu645Val; replaces leucine 645 with valine.
Molecular consequence: missense variant.
Genome position (GRCh38, 1-based): chr5:132,595,008, C>G. VCF-style: chr5-132595008-C-G. GRCh37 (hg19) VCF-style: chr5-131930700-C-G.
Other names: short protein forms L645V.
Identifiers: ClinVar variation 1782917 (VCV001782917.2), dbSNP rs1750764985, ClinGen allele CA360948357.